The following is an entry in ClinVar:

NM_001136472.2(LITAF):c.280A>G (p.Met94Val)

Gene: LITAF (lipopolysaccharide induced TNF factor; minus strand). Cytogenetic location: 16p13.13.
Variant type: single nucleotide variant.
Coding change: c.280A>G on transcript NM_001136472.2 (MANE Select); coding-DNA position 280, A replaced by G.
Protein change: p.Met94Val; replaces methionine 94 with valine.
Molecular consequence: missense variant. On other transcripts: non-coding transcript variant (1).
Genome position (GRCh38, 1-based): chr16:11,553,630, T>C on the plus strand (A>G on the coding strand, the complement: LITAF is on the minus strand). VCF-style: chr16-11553630-T-C. GRCh37 (hg19) VCF-style: chr16-11647486-T-C.
Other names: c.280A>G, p.Met94Val (NM_001136473.1, NM_004862.4); short protein forms M94V.
Identifiers: ClinVar variation 705146 (VCV000705146.5), dbSNP rs748554765, ClinGen allele CA7904092.
Genomic context (GRCh38, chr16:11,553,630, plus strand): 5'-GAGCACCGGCGTTATAGGACAGCTGACTCACGATCATCTTGTTGCAGGAAGGACAACACA[T>C]TTGGATAGGGCGGTCCAAAAAGGTGATGGGGTGCTGCACGTAGACCGTCTGCACGGTAAC-3'
Protein context (NP_001129944.1, residues 84-104): PITFLDRPIQ[Met94Val]CCPSCNKMIV

ClinVar aggregate classification (germline): Likely benign. Review status: criteria provided, multiple submitters, no conflicts (2 of 4 stars). 3 submissions from 3 submitters: Likely benign (3). Last evaluated 2025-11-25.

Conditions:
Inborn genetic diseases. Identifiers: MedGen C0950123, MeSH D030342.

Allele frequency attached by ClinVar (database versions not stated): ExAC 0.00014; TOPMed below 0.00001; gnomAD 0.00001 and 0.00003; gnomAD exomes 0.00007 and 0.00012.
gnomAD v4.1: 105 of 1,614,098 alleles (0.0065%); highest among the groups gnomAD compares: South Asian, 0.11%; 1 homozygote.

Submissions (3):

Women's Health and Genetics/Laboratory Corporation of America, LabCorp
Classification: Likely benign. Last evaluated: 2025-11-25. Review status: criteria provided, single submitter. Criteria: LabCorp Variant Classification Summary - May 2015. Collection method: clinical testing. Allele origin: germline.
Comment: Variant summary: LITAF c.280A>G (p.Met94Val) results in a conservative amino acid change in the encoded protein sequence. Algorithms developed to predict the effect of missense changes on protein structure and function are either unavailable or do not agree on the potential impact of this missense change. The variant allele was found at a frequency of 0.00012 in 251192 control chromosomes, predominantly at a frequency of 0.00098 within the South Asian subpopulation in the gnomAD database. The observed variant frequency within South Asian control individuals in the gnomAD database exceeds the estimated maximal expected allele frequency for disease-causing variants in LITAF. To our knowledge, no occurrence of c.280A>G in individuals affected with LITAF-related conditions and no experimental evidence demonstrating its impact on protein function have been reported. ClinVar contains an entry for this variant (Variation ID: 705146). Based on the evidence outlined above, the variant was classified as likely benign.

Ambry Genetics
Classification: Likely benign for Inborn genetic diseases. Last evaluated: 2023-09-25. Review status: criteria provided, single submitter. Criteria: Ambry Variant Classification Scheme 2023. Collection method: clinical testing. Allele origin: germline.

Labcorp Genetics (formerly Invitae), Labcorp
Classification: Likely benign. Last evaluated: 2018-05-17. Review status: criteria provided, single submitter. Criteria: Invitae Variant Classification Sherloc (09022015). Collection method: clinical testing. Allele origin: germline.